The following is an entry in ClinVar:

NM_014679.5(CEP57):c.496G>C (p.Glu166Gln)

Gene: CEP57 (centrosomal protein 57; plus strand). Cytogenetic location: 11q21.
Variant type: single nucleotide variant.
Coding change: c.496G>C on transcript NM_014679.5 (MANE Select); coding-DNA position 496, G replaced by C.
Protein change: p.Glu166Gln; replaces glutamic acid 166 with glutamine.
Molecular consequence: missense variant.
Genome position (GRCh38, 1-based): chr11:95,813,581, G>C. VCF-style: chr11-95813581-G-C. GRCh37 (hg19) VCF-style: chr11-95546745-G-C.
Other names: c.469G>C, p.Glu157Gln (NM_001243776.2); c.496G>C, p.Glu166Gln (NM_001243777.2); c.415G>C, p.Glu139Gln (NM_001363604.2); short protein forms E139Q, E157Q, E166Q.
Identifiers: ClinVar variation 3142969 (VCV003142969.2), dbSNP rs1862171069, ClinGen allele CA382422342.
Genomic context (GRCh38, chr11:95,813,581, plus strand): 5'-CAATTGGAATACATGCGAAATATGATAAAGCATGCCGAAATGGAGAGGACATCTGTCTTA[G>C]AGAAACAAGTAAGTAAAGCACCTCACAGATTGATACTCAAGAACAGTTATGGGGAAAACT-3'
Protein context (NP_055494.2, residues 156-176): HAEMERTSVL[Glu166Gln]KQVSLERERQ

ClinVar aggregate classification (germline): Uncertain significance (1 of 4 stars; one submission).

Conditions:
Inborn genetic diseases. Identifiers: MedGen C0950123, MeSH D030342.

Submission:

Ambry Genetics
Classification: Uncertain significance for Inborn genetic diseases. Last evaluated: 2025-01-01. Review status: criteria provided, single submitter. Criteria: Ambry Variant Classification Scheme 2023. Collection method: clinical testing. Allele origin: germline.
Comment: The p.E166Q variant (also known as c.496G>C), located in coding exon 4 of the CEP57 gene, results from a G to C substitution at nucleotide position 496. The glutamic acid at codon 166 is replaced by glutamine, an amino acid with highly similar properties. This amino acid position is conserved. In addition, this alteration is predicted to be tolerated by in silico analysis. Based on the available evidence, the clinical significance of this variant remains unclear.